The following is an entry in ClinVar:

NM_006514.4(SCN10A):c.1231A>G (p.Ile411Val)

Gene: SCN10A (sodium voltage-gated channel alpha subunit 10; minus strand). Cytogenetic location: 3p22.2.
Variant type: single nucleotide variant.
Coding change: c.1231A>G on transcript NM_006514.4 (MANE Select); coding-DNA position 1231, A replaced by G.
Protein change: p.Ile411Val; replaces isoleucine 411 with valine.
Molecular consequence: missense variant.
Genome position (GRCh38, 1-based): chr3:38,756,733, T>C on the plus strand (A>G on the coding strand, the complement: SCN10A is on the minus strand). VCF-style: chr3-38756733-T-C. GRCh37 (hg19) VCF-style: chr3-38798224-T-C.
Other names: c.1231A>G, p.Ile411Val (NM_001293306.2, NM_001293307.2); short protein forms I411V.
Identifiers: ClinVar variation 1755615 (VCV001755615.2), dbSNP rs2470791044, ClinGen allele CA352169434.

ClinVar aggregate classification (germline): Uncertain significance (1 of 4 stars; one submission).

Conditions:
Cardiovascular phenotype. Identifiers: MedGen CN230736.

Submission:

Ambry Genetics
Classification: Uncertain significance for Cardiovascular phenotype. Last evaluated: 2021-06-17. Review status: criteria provided, single submitter. Criteria: Ambry Variant Classification Scheme 2023. Collection method: clinical testing. Allele origin: germline.
Comment: The p.I411V variant (also known as c.1231A>G), located in coding exon 9 of the SCN10A gene, results from an A to G substitution at nucleotide position 1231. The isoleucine at codon 411 is replaced by valine, an amino acid with highly similar properties. This amino acid position is not well conserved in available vertebrate species. In addition, this alteration is predicted to be tolerated by in silico analysis. Since supporting evidence is limited at this time, the clinical significance of this alteration remains unclear.